The following is an entry in ClinVar:

ClinVar aggregate classification (germline): Uncertain significance (1 of 4 stars; one submission).

Allele frequency attached by ClinVar (database versions not stated): TOPMed below 0.00001; ExAC 0.00001; gnomAD exomes 0.00001.
gnomAD v4.1: 16 of 1,614,174 alleles (0.00099%); highest among the groups gnomAD compares: South Asian, 0.0022%; no homozygotes.

Submission:

Labcorp Genetics (formerly Invitae), Labcorp
Classification: Uncertain significance. Last evaluated: 2023-03-04. Review status: criteria provided, single submitter. Criteria: Invitae Variant Classification Sherloc (09022015). Collection method: clinical testing. Allele origin: germline.
Comment: Advanced modeling of protein sequence and biophysical properties (such as structural, functional, and spatial information, amino acid conservation, physicochemical variation, residue mobility, and thermodynamic stability) performed at Invitae indicates that this missense variant is expected to disrupt EMC1 protein function. ClinVar contains an entry for this variant (Variation ID: 1510579). This variant has not been reported in the literature in individuals affected with EMC1-related conditions. This variant is present in population databases (rs756136017, gnomAD 0.003%). This sequence change replaces arginine, which is basic and polar, with histidine, which is basic and polar, at codon 724 of the EMC1 protein (p.Arg724His). In summary, the available evidence is currently insufficient to determine the role of this variant in disease. Therefore, it has been classified as a Variant of Uncertain Significance.

NM_015047.3(EMC1):c.2171G>A (p.Arg724His)

Genes: EMC1 (ER membrane protein complex subunit 1; minus strand), EMC1-AS1 (EMC1 antisense RNA 1; plus strand). Cytogenetic location: 1p36.13.
Variant type: single nucleotide variant.
Coding change: c.2171G>A on transcript NM_015047.3 (MANE Select); coding-DNA position 2171, G replaced by A.
Protein change: p.Arg724His; replaces arginine 724 with histidine.
Molecular consequence: missense variant.
Genome position (GRCh38, 1-based): chr1:19,227,344, C>T on the plus strand (G>A on the coding strand, the complement: EMC1 is on the minus strand). VCF-style: chr1-19227344-C-T. GRCh37 (hg19) VCF-style: chr1-19553838-C-T.
Other names: c.2105G>A, p.Arg702His (NM_001271429.2); c.2180G>A, p.Arg727His (NM_001375820.1); c.2177G>A, p.Arg726His (NM_001375821.1); c.2168G>A, p.Arg723His (NM_001271427.2, NM_001271428.2); short protein forms R726H, R724H, R702H, R723H, R727H.
Identifiers: ClinVar variation 1510579 (VCV001510579.6), dbSNP rs756136017, ClinGen allele CA652378.